The following is an entry in ClinVar:

ClinVar aggregate classification (germline): Benign/Likely benign. Review status: criteria provided, multiple submitters, no conflicts (2 of 4 stars). 3 submissions from 3 submitters: Benign (1); Likely benign (2). Last evaluated 2026-01-20.

Conditions:
Autosomal recessive limb-girdle muscular dystrophy type 2J (LGMDR10). Also called: Limb-girdle muscular dystrophy, type 2J; MUSCULAR DYSTROPHY, LIMB-GIRDLE, AUTOSOMAL RECESSIVE 10. Identifiers: Orphanet 140922, MedGen C1837342, MONDO:0012127, OMIM 608807.
Dilated cardiomyopathy 1G (CMD1G). Identifiers: Orphanet 154, MedGen C1858763, MONDO:0011400, OMIM 604145.

Allele frequency attached by ClinVar (database versions not stated): gnomAD 0.00002 and 0.00003; gnomAD exomes 0.00004 and 0.00012; TOPMed 0.00008; ExAC 0.00010.
gnomAD v4.1: 59 of 1,606,426 alleles (0.0037%); highest among the groups gnomAD compares: East Asian, 0.12%; no homozygotes.

Submissions (3):

Labcorp Genetics (formerly Invitae), Labcorp
Classification: Likely benign for Dilated cardiomyopathy 1G; Autosomal recessive limb-girdle muscular dystrophy type 2J. Last evaluated: 2026-01-20. Review status: criteria provided, single submitter. Criteria: Invitae Variant Classification Sherloc (09022015). Collection method: clinical testing. Allele origin: germline.

Blueprint Genetics
Classification: Likely benign. Last evaluated: 2024-07-10. Review status: criteria provided, single submitter. Criteria: ACMG Guidelines, 2015. Collection method: clinical testing. Allele origin: germline.

Laboratory for Molecular Medicine, Mass General Brigham Personalized Medicine
Classification: Benign. Last evaluated: 2018-06-05. Review status: criteria provided, single submitter. Criteria: LMM Criteria. Collection method: clinical testing. Allele origin: germline. Observed: 1 variant allele.
Comment: proposed classification - variant undergoing re-assessment, contact laboratory

NM_001267550.2(TTN):c.46697-12C>T

Genes: TTN (titin; minus strand), TTN-AS1 (TTN antisense RNA 1; plus strand). Cytogenetic location: 2q31.2.
Variant type: single nucleotide variant.
Coding change: c.46697-12C>T on transcript NM_001267550.2 (MANE Select); 12 bases into the intron before coding-DNA position 46697, C replaced by T.
Molecular consequence: intron variant.
Genome position (GRCh38, 1-based): chr2:178,618,865, G>A on the plus strand (C>T on the coding strand, the complement: TTN is on the minus strand). VCF-style: chr2-178618865-G-A. GRCh37 (hg19) VCF-style: chr2-179483592-G-A.
Other names: c.19502-12C>T (NM_003319.4); c.20078-12C>T (NM_133437.4); c.19877-12C>T (NM_133432.3); c.38993-12C>T (NM_133378.4); c.41774-12C>T (NM_001256850.1).
Identifiers: ClinVar variation 179192 (VCV000179192.14), dbSNP rs727504699, ClinGen allele CA183925.